The following is an entry in ClinVar:

NM_080680.3(COL11A2):c.3839A>T (p.Glu1280Val)

Gene: COL11A2 (collagen type XI alpha 2 chain; minus strand). Cytogenetic location: 6p21.32.
Variant type: single nucleotide variant.
Coding change: c.3839A>T on transcript NM_080680.3 (MANE Select); coding-DNA position 3839, A replaced by T.
Protein change: p.Glu1280Val; replaces glutamic acid 1280 with valine.
Molecular consequence: missense variant.
Genome position (GRCh38, 1-based): chr6:33,168,968, T>A on the plus strand (A>T on the coding strand, the complement: COL11A2 is on the minus strand). VCF-style: chr6-33168968-T-A. GRCh37 (hg19) VCF-style: chr6-33136745-T-A.
Other names: c.3518A>T, p.Glu1173Val (NM_080679.3); c.3581A>T, p.Glu1194Val (NM_080681.3); short protein forms E1173V, E1194V, E1280V.
Identifiers: ClinVar variation 1810159 (VCV001810159.4), dbSNP rs771220391, ClinGen allele CA3750356.
Genomic context (GRCh38, chr6:33,168,968, plus strand): 5'-AGAAGCCCCACCCTTTTTGCCCCTTCCCTTCTCTGAGTAAGACTCACCCGAGGGCCACCT[T>A]CTCCAGGGGGGCCAGGGTCACCAGGAAAACCAACAGGACCCTGATCCAGATGGAGAATAA-3'
Protein context (NP_542411.2, residues 1270-1290): GFPGDPGPPG[Glu1280Val]GGPRGQDGAK

ClinVar aggregate classification (germline): Uncertain significance. Review status: criteria provided, multiple submitters, no conflicts (2 of 4 stars). 2 submissions from 2 submitters: Uncertain significance (2). Last evaluated 2024-07-08.

Allele frequency attached by ClinVar (database versions not stated): TOPMed below 0.00001; gnomAD 0.00001.

Submissions (2):

Labcorp Genetics (formerly Invitae), Labcorp
Classification: Uncertain significance. Last evaluated: 2024-07-08. Review status: criteria provided, single submitter. Criteria: Invitae Variant Classification Sherloc (09022015). Collection method: clinical testing. Allele origin: germline.
Comment: This sequence change replaces glutamic acid, which is acidic and polar, with valine, which is neutral and non-polar, at codon 1280 of the COL11A2 protein (p.Glu1280Val). This variant is not present in population databases (gnomAD no frequency). This variant has not been reported in the literature in individuals affected with COL11A2-related conditions. ClinVar contains an entry for this variant (Variation ID: 1810159). Advanced modeling of protein sequence and biophysical properties (such as structural, functional, and spatial information, amino acid conservation, physicochemical variation, residue mobility, and thermodynamic stability) performed at Invitae indicates that this missense variant is not expected to disrupt COL11A2 protein function with a negative predictive value of 95%. In summary, the available evidence is currently insufficient to determine the role of this variant in disease. Therefore, it has been classified as a Variant of Uncertain Significance.

GeneDx
Classification: Uncertain significance. Last evaluated: 2022-06-29. Review status: criteria provided, single submitter. Criteria: GeneDx Variant Classification Process June 2021. Collection method: clinical testing. Allele origin: germline. Affected: yes.
Comment: Has not been previously published as pathogenic or benign to our knowledge; Not observed at significant frequency in large population cohorts (gnomAD); In silico analysis supports that this missense variant has a deleterious effect on protein structure/function